The following is an entry in ClinVar:

NM_016955.4(SEPSECS):c.267C>G (p.Tyr89Ter)

Gene: SEPSECS (Sep (O-phosphoserine) tRNA:Sec (selenocysteine) tRNA synthase; minus strand). Cytogenetic location: 4p15.2.
Variant type: single nucleotide variant.
Coding change: c.267C>G on transcript NM_016955.4 (MANE Select); coding-DNA position 267, C replaced by G.
Protein change: p.Tyr89Ter; replaces tyrosine 89 with a stop codon.
Molecular consequence: nonsense.
Genome position (GRCh38, 1-based): chr4:25,158,955, G>C on the plus strand (C>G on the coding strand, the complement: SEPSECS is on the minus strand). VCF-style: chr4-25158955-G-C. GRCh37 (hg19) VCF-style: chr4-25160577-G-C.
Other names: c.522C>G, p.Tyr174Ter (NM_001410714.1); c.267C>G, p.Tyr89Ter (NM_153825.2); short protein forms Y174*, Y89*.
Identifiers: ClinVar variation 2014918 (VCV002014918.4), dbSNP rs2474687235, ClinGen allele CA356543239.

ClinVar aggregate classification (germline): Pathogenic (1 of 4 stars; one submission).

Submission:

Labcorp Genetics (formerly Invitae), Labcorp
Classification: Pathogenic. Last evaluated: 2022-07-07. Review status: criteria provided, single submitter. Criteria: Invitae Variant Classification Sherloc (09022015). Collection method: clinical testing. Allele origin: germline.
Comment: For these reasons, this variant has been classified as Pathogenic. This variant has not been reported in the literature in individuals affected with SEPSECS-related conditions. This variant is not present in population databases (gnomAD no frequency). This sequence change creates a premature translational stop signal (p.Tyr89*) in the SEPSECS gene. It is expected to result in an absent or disrupted protein product. Loss-of-function variants in SEPSECS are known to be pathogenic (PMID: 25558065, 25590979, 26115735).

Literature cited by the submitters: PubMed 25558065; PubMed 25590979; PubMed 26115735.